The following is an entry in ClinVar:

NM_002317.7(LOX):c.473G>T (p.Arg158Leu)

Genes: LOX (lysyl oxidase; minus strand), SRFBP1 (serum response factor binding protein 1; plus strand). Cytogenetic location: 5q23.1.
Variant type: single nucleotide variant.
Coding change: c.473G>T on transcript NM_002317.7 (MANE Select); coding-DNA position 473, G replaced by T.
Protein change: p.Arg158Leu; replaces arginine 158 with leucine.
Molecular consequence: missense variant.
Genome position (GRCh38, 1-based): chr5:122,077,513, C>A on the plus strand (G>T on the coding strand, the complement: LOX is on the minus strand). VCF-style: chr5-122077513-C-A. GRCh37 (hg19) VCF-style: chr5-121413208-C-A.
Other names: short protein forms R158L.
Identifiers: ClinVar variation 2775878 (VCV002775878.3), dbSNP rs1800449, ClinGen allele CA360876052.

ClinVar aggregate classification (germline): Uncertain significance (1 of 4 stars; one submission).

gnomAD v4.1: 1 of 1,613,698 alleles (0.000062%); highest among the groups gnomAD compares: Non-Finnish European, 0.000085%; no homozygotes.

Submission:

Labcorp Genetics (formerly Invitae), Labcorp
Classification: Uncertain significance. Last evaluated: 2023-05-10. Review status: criteria provided, single submitter. Criteria: Invitae Variant Classification Sherloc (09022015). Collection method: clinical testing. Allele origin: germline.
Comment: Advanced modeling of protein sequence and biophysical properties (such as structural, functional, and spatial information, amino acid conservation, physicochemical variation, residue mobility, and thermodynamic stability) performed at Invitae indicates that this missense variant is not expected to disrupt LOX protein function. In summary, the available evidence is currently insufficient to determine the role of this variant in disease. Therefore, it has been classified as a Variant of Uncertain Significance. This sequence change replaces arginine, which is basic and polar, with leucine, which is neutral and non-polar, at codon 158 of the LOX protein (p.Arg158Leu). The frequency data for this variant in the population databases is considered unreliable, as metrics indicate poor data quality at this position in the gnomAD database. This variant has not been reported in the literature in individuals affected with LOX-related conditions.